The following is an entry in ClinVar:

ClinVar aggregate classification (germline): Uncertain significance (1 of 4 stars; one submission).

Conditions:
Duane-radial ray syndrome (DRRS). Also called: ACRORENOOCULAR SYNDROME; DR SYNDROME; DUANE ANOMALY WITH RADIAL RAY ABNORMALITIES AND DEAFNESS; Duane-Radial Ray Syndrome/Okihiro Syndrome; Duane-Radial Ray Syndrome (DRRS) / Okihiro Syndrome; Okihiro Syndrome. Identifiers: Orphanet 93293, Orphanet 959, MedGen C1623209, MONDO:0011812, OMIM 607323. Disease mechanism: gain of function.

Submission:

Centre for Mendelian Genomics, University Medical Centre Ljubljana
Classification: Uncertain significance for Duane-radial ray syndrome. Last evaluated: 2018-12-05. Review status: criteria provided, single submitter. Criteria: ACMG Guidelines, 2015. Collection method: clinical testing. Allele origin: unknown. Affected: yes.
Comment: This variant was classified as: Uncertain significance. The available evidence on this variant's pathogenicity is insufficient or conflicting. The following ACMG criteria were applied in classifying this variant: PM2.

NM_020436.5(SALL4):c.1424A>G (p.Lys475Arg)

Gene: SALL4 (spalt like transcription factor 4; minus strand). Cytogenetic location: 20q13.2.
Variant type: single nucleotide variant.
Coding change: c.1424A>G on transcript NM_020436.5 (MANE Select); coding-DNA position 1424, A replaced by G.
Protein change: p.Lys475Arg; replaces lysine 475 with arginine.
Molecular consequence: missense variant. On other transcripts: intron variant (1).
Genome position (GRCh38, 1-based): chr20:51,791,059, T>C on the plus strand (A>G on the coding strand, the complement: SALL4 is on the minus strand). VCF-style: chr20-51791059-T-C. GRCh37 (hg19) VCF-style: chr20-50407598-T-C.
Other names: c.1150+274A>G (NM_001318031.2); short protein forms K475R.
Identifiers: ClinVar variation 931969 (VCV000931969.3), dbSNP rs2078036143, ClinGen allele CA409010555.